The following is an entry in ClinVar:

NM_000165.5(GJA1):c.683T>G (p.Leu228Arg)

Gene: GJA1 (gap junction protein alpha 1; plus strand). Cytogenetic location: 6q22.31.
Variant type: single nucleotide variant.
Coding change: c.683T>G on transcript NM_000165.5 (MANE Select); coding-DNA position 683, T replaced by G.
Protein change: p.Leu228Arg; replaces leucine 228 with arginine.
Molecular consequence: missense variant.
Genome position (GRCh38, 1-based): chr6:121,447,530, T>G. VCF-style: chr6-121447530-T-G. GRCh37 (hg19) VCF-style: chr6-121768676-T-G.
Other names: short protein forms L228R.
Identifiers: ClinVar variation 3698126 (VCV003698126.2).
Genomic context (GRCh38, chr6:121,447,530, plus strand): 5'-TCTTCATCATCTTCATGCTGGTGGTGTCCTTGGTGTCCCTGGCCTTGAATATCATTGAAC[T>G]CTTCTATGTTTTCTTCAAGGGCGTTAAGGATCGGGTTAAGGGAAAGAGCGACCCTTACCA-3'
Protein context (NP_000156.1, residues 218-238): LVSLALNIIE[Leu228Arg]FYVFFKGVKD

ClinVar aggregate classification (germline): Uncertain significance (1 of 4 stars; one submission).

Conditions:
Oculodentodigital dysplasia, autosomal recessive. Also called: OCULODENTOOSSEOUS DYSPLASIA, AUTOSOMAL RECESSIVE; ODDD, AUTOSOMAL RECESSIVE; ODOD, AUTOSOMAL RECESSIVE. Identifiers: Orphanet 2710, MedGen C2749477, MONDO:0009768, OMIM 257850.

Submission:

Labcorp Genetics (formerly Invitae), Labcorp
Classification: Uncertain significance for Oculodentodigital dysplasia, autosomal recessive. Last evaluated: 2024-08-18. Review status: criteria provided, single submitter. Criteria: Invitae Variant Classification Sherloc (09022015). Collection method: clinical testing. Allele origin: germline.
Comment: This sequence change replaces leucine, which is neutral and non-polar, with arginine, which is basic and polar, at codon 228 of the GJA1 protein (p.Leu228Arg). This variant is not present in population databases (gnomAD no frequency). This variant has not been reported in the literature in individuals affected with GJA1-related conditions. Invitae Evidence Modeling of protein sequence and biophysical properties (such as structural, functional, and spatial information, amino acid conservation, physicochemical variation, residue mobility, and thermodynamic stability) indicates that this missense variant is expected to disrupt GJA1 protein function with a positive predictive value of 80%. In summary, the available evidence is currently insufficient to determine the role of this variant in disease. Therefore, it has been classified as a Variant of Uncertain Significance.